The following is an entry in ClinVar:

NM_001370.2(DNAH6):c.8422G>A (p.Val2808Ile)

Gene: DNAH6 (dynein axonemal heavy chain 6; plus strand). Cytogenetic location: 2p11.2.
Variant type: single nucleotide variant.
Coding change: c.8422G>A on transcript NM_001370.2 (MANE Select); coding-DNA position 8422, G replaced by A.
Protein change: p.Val2808Ile; replaces valine 2808 with isoleucine.
Molecular consequence: missense variant.
Genome position (GRCh38, 1-based): chr2:84,704,259, G>A. VCF-style: chr2-84704259-G-A. GRCh37 (hg19) VCF-style: chr2-84931383-G-A.
Other names: short protein forms V2808I.
Identifiers: ClinVar variation 2358631 (VCV002358631.4), dbSNP rs372020176, ClinGen allele CA1737524.

ClinVar aggregate classification (germline): Uncertain significance. Review status: criteria provided, multiple submitters, no conflicts (2 of 4 stars). 2 submissions from 2 submitters: Uncertain significance (2). Last evaluated 2024-06-11.

Allele frequency attached by ClinVar (database versions not stated): ExAC 0.00009; TOPMed 0.00017; gnomAD 0.00018; ESP Exome Variant Server 0.00022; gnomAD exomes 0.00036.
gnomAD v4.1: 533 of 1,551,610 alleles (0.034%); highest among the groups gnomAD compares: Non-Finnish European, 0.044%; no homozygotes.

Submissions (2):

Ambry Genetics
Classification: Uncertain significance. Last evaluated: 2024-06-11. Review status: criteria provided, single submitter. Criteria: Ambry Variant Classification Scheme 2023. Collection method: clinical testing. Allele origin: germline.

GeneDx
Classification: Uncertain significance. Last evaluated: 2022-08-29. Review status: criteria provided, single submitter. Criteria: GeneDx Variant Classification Process June 2021. Collection method: clinical testing. Allele origin: germline. Affected: yes.
Comment: In silico analysis supports that this missense variant does not alter protein structure/function; Has not been previously published as pathogenic or benign to our knowledge; Variants in candidate genes are classified as variants of uncertain significance in accordance with ACMG guidelines (Richards et al., 2015)